The following is an entry in ClinVar:

ClinVar aggregate classification (germline): Pathogenic (1 of 4 stars; one submission).

Submission:

GeneDx
Classification: Pathogenic. Last evaluated: 2024-12-03. Review status: criteria provided, single submitter. Criteria: GeneDx Variant Classification Process June 2021. Collection method: clinical testing. Allele origin: germline. Affected: yes.
Comment: Frameshift variant predicted to result in protein truncation or nonsense mediated decay in a gene for which loss of function is a known mechanism of disease; Not observed at significant frequency in large population cohorts (gnomAD); This variant is associated with the following publications: (PMID: 35861666)

NM_013275.6(ANKRD11):c.4395_4396del (p.His1465fs)

Gene: ANKRD11 (ankyrin repeat domain containing 11; minus strand). Cytogenetic location: 16q24.3.
Variant type: Microsatellite.
Coding change: c.4395_4396del on transcript NM_013275.6 (MANE Select); coding-DNA positions 4395 to 4396, 2 bases deleted (CA; older notation c.4395_4396delCA).
Protein change: p.His1465fs; shifts the reading frame from histidine 1465.
Molecular consequence: frameshift variant.
Genome position (GRCh38, 1-based): chr16:89,282,146-89,282,147, TG deleted on the plus strand (CA on the coding strand, the reverse complement: ANKRD11 is on the minus strand); deleting any 2 consecutive bases within chr16:89,282,146-89,282,150 gives the same sequence; the c. name uses the placement nearest the transcript's 3' end. VCF-style (leftmost placement, unchanged base first): chr16-89282145-CTG-C. GRCh37 (hg19) VCF-style: chr16-89348553-CTG-C.
Other names: c.4395_4396del, p.His1465fs (NM_001256182.2, NM_001256183.2); short protein forms H1465fs.
Identifiers: ClinVar variation 3901550 (VCV003901550.1).